The following is an entry in ClinVar:

NM_000287.4(PEX6):c.2359G>A (p.Glu787Lys)

Gene: PEX6 (peroxisomal biogenesis factor 6; minus strand). Cytogenetic location: 6p21.1.
Variant type: single nucleotide variant.
Coding change: c.2359G>A on transcript NM_000287.4 (MANE Select); coding-DNA position 2359, G replaced by A.
Protein change: p.Glu787Lys; replaces glutamic acid 787 with lysine.
Molecular consequence: missense variant.
Genome position (GRCh38, 1-based): chr6:42,966,047, C>T on the plus strand (G>A on the coding strand, the complement: PEX6 is on the minus strand). VCF-style: chr6-42966047-C-T. GRCh37 (hg19) VCF-style: chr6-42933785-C-T.
Other names: c.2095G>A, p.Glu699Lys (NM_001316313.2); short protein forms E699K, E787K.
Identifiers: ClinVar variation 993426 (VCV000993426.15), dbSNP rs202019439, ClinGen allele CA3811060.

ClinVar aggregate classification (germline): Uncertain significance. Review status: criteria provided, multiple submitters, no conflicts (2 of 4 stars). 4 submissions from 4 submitters: Uncertain significance (3). 1 of the submissions does not count toward it. Last evaluated 2024-07-02.

Conditions:
Zellweger spectrum disorders (ZS). Also called: Zellweger syndrome; Zellweger Spectrum Disorder (ZSD); Zellweger Spectrum Disorder; Zellweger Spectrum. Identifiers: Orphanet 912, MedGen C0043459, MONDO:0019609.
Peroxisome biogenesis disorder. Identifiers: Orphanet 79189, MedGen C1832200, MONDO:0019234. Disease mechanism: loss of function.

Allele frequency attached by ClinVar (database versions not stated): gnomAD 0.00001; TOPMed 0.00003; gnomAD exomes 0.00006; ESP Exome Variant Server 0.00008; ExAC 0.00039.
gnomAD v4.1: 101 of 1,613,896 alleles (0.0063%); highest among the groups gnomAD compares: Non-Finnish European, 0.0068%; no homozygotes.

Submissions (4):

Blueprint Genetics
Classification: Uncertain significance. Last evaluated: 2024-07-02. Review status: criteria provided, single submitter. Criteria: ACMG Guidelines, 2015. Collection method: clinical testing. Allele origin: germline.

Labcorp Genetics (formerly Invitae), Labcorp
Classification: Uncertain significance for Peroxisome biogenesis disorder. Last evaluated: 2021-08-27. Review status: criteria provided, single submitter. Criteria: Invitae Variant Classification Sherloc (09022015). Collection method: clinical testing. Allele origin: germline.
Comment: This sequence change replaces glutamic acid with lysine at codon 787 of the PEX6 protein (p.Glu787Lys). The glutamic acid residue is moderately conserved and there is a small physicochemical difference between glutamic acid and lysine. This variant is present in population databases (rs202019439, ExAC 0.07%). This variant has not been reported in the literature in individuals affected with PEX6-related conditions. Algorithms developed to predict the effect of missense changes on protein structure and function output the following: SIFT: "Tolerated"; PolyPhen-2: "Benign"; Align-GVGD: "Class C0". The lysine amino acid residue is found in multiple mammalian species, which suggests that this missense change does not adversely affect protein function. In summary, the available evidence is currently insufficient to determine the role of this variant in disease. Therefore, it has been classified as a Variant of Uncertain Significance.

ARUP Laboratories, Molecular Genetics and Genomics, ARUP Laboratories
Classification: Uncertain significance. Last evaluated: 2020-02-09. Review status: criteria provided, single submitter. Criteria: ARUP Molecular Germline Variant Investigation Process. Collection method: clinical testing. Allele origin: germline.

Natera, Inc.
Classification: Uncertain significance for Zellweger syndrome. Last evaluated: 2020-03-20. Review status: no assertion criteria provided. Collection method: clinical testing. Allele origin: germline. Not counted in ClinVar's aggregate classification.